The following is an entry in ClinVar:

NM_004974.4(KCNA2):c.861_862del (p.Met288fs)

Gene: KCNA2 (potassium voltage-gated channel subfamily A member 2; minus strand). Cytogenetic location: 1p13.3.
Variant type: Deletion.
Coding change: c.861_862del on transcript NM_004974.4 (MANE Select); coding-DNA positions 861 to 862, 2 bases deleted (CA; older notation c.861_862delCA).
Protein change: p.Met288fs; shifts the reading frame from methionine 288.
Molecular consequence: frameshift variant.
Genome position (GRCh38, 1-based): chr1:110,603,921-110,603,922, TG deleted on the plus strand (CA on the coding strand, the reverse complement: KCNA2 is on the minus strand). VCF-style (leftmost placement, unchanged base first): chr1-110603920-ATG-A. GRCh37 (hg19) VCF-style: chr1-111146542-ATG-A.
Other names: c.861_862del, p.Met288fs (NM_001204269.2); short protein forms M288fs.
Identifiers: ClinVar variation 2033735 (VCV002033735.4), dbSNP rs2524618343, ClinGen allele CA2580060807.

ClinVar aggregate classification (germline): Uncertain significance (1 of 4 stars; one submission).

Conditions:
Developmental and epileptic encephalopathy, 32 (DEE32). Also called: Epileptic encephalopathy, early infantile, 32. Identifiers: Orphanet 442835, MedGen C4225350, MONDO:0014607, OMIM 616366.

Submission:

Labcorp Genetics (formerly Invitae), Labcorp
Classification: Uncertain significance for Developmental and epileptic encephalopathy, 32. Last evaluated: 2022-10-02. Review status: criteria provided, single submitter. Criteria: Invitae Variant Classification Sherloc (09022015). Collection method: clinical testing. Allele origin: germline.
Comment: In summary, the available evidence is currently insufficient to determine the role of this variant in disease. Therefore, it has been classified as a Variant of Uncertain Significance. Experimental studies and prediction algorithms are not available or were not evaluated, and the functional significance of this variant is currently unknown. This variant has not been reported in the literature in individuals affected with KCNA2-related conditions. This variant is not present in population databases (gnomAD no frequency). This sequence change creates a premature translational stop signal (p.Met288Valfs*15) in the KCNA2 gene. While this is not anticipated to result in nonsense mediated decay, it is expected to disrupt the last 212 amino acid(s) of the KCNA2 protein.